The following is an entry in ClinVar:

NM_015506.3(MMACHC):c.578T>C (p.Leu193Pro)

Gene: MMACHC (metabolism of cobalamin associated C; plus strand). Cytogenetic location: 1p34.1.
Variant type: single nucleotide variant.
Coding change: c.578T>C on transcript NM_015506.3 (MANE Select); coding-DNA position 578, T replaced by C.
Protein change: p.Leu193Pro; replaces leucine 193 with proline.
Molecular consequence: missense variant.
Genome position (GRCh38, 1-based): chr1:45,508,944, T>C. VCF-style: chr1-45508944-T-C. GRCh37 (hg19) VCF-style: chr1-45974616-T-C.
Other names: c.407T>C, p.Leu136Pro (NM_001330540.2); short protein forms L193P, L136P.
Identifiers: ClinVar variation 813352 (VCV000813352.17), dbSNP rs1233135084, ClinGen allele CA340133521.

ClinVar aggregate classification (germline): Pathogenic/Likely pathogenic. Review status: criteria provided, multiple submitters, no conflicts (2 of 4 stars). 6 submissions from 6 submitters: Pathogenic (3); Likely pathogenic (3). Last evaluated 2025-08-29.

Conditions:
Cobalamin C disease. Also called: Vitamin B12 metabolic defect with combined deficiency of methylmalonyl-CoA mutase and homocysteine:methyltetrahydrofolate methyltransferase; Cobalamin-C methylmalonic acidemia and homocystinuria; Methylmalonic acidemia and homocystinuria cblC type; methylmalonic aciduria and homocystinuria type cblC; Methylmalonic aciduria and homocystinuria, Vitamin B12-responsive; Methylmalonic aciduria with homocystinuria cblC type. Identifiers: Orphanet 26, Orphanet 79282, MedGen C1848561, MONDO:0010184, OMIM 277400.

Allele frequency attached by ClinVar (database versions not stated): gnomAD exomes below 0.00001.

Submissions (6):

Natera, Inc.
Classification: Likely pathogenic for Methylmalonic aciduria and homocystinuria cblC type. Last evaluated: 2025-08-29. Review status: criteria provided, single submitter. Criteria: Natera Variant Classification Schema (03/2026). Collection method: clinical testing. Allele origin: germline.
Comment: The c.578T>C variant in MMACHC is a missense variant predicted to cause substitution of leucine to proline at amino acid 193. This variant is rare in the general population with a frequency below the threshold expected for the associated phenotype(s). This variant has been observed in one or more individuals affected with the associated recessive disease, as either homozygous or compound heterozygous with a second variant (PMID: 16311595, 30209273). Computational prediction algorithms indicate this variant is likely to affect gene or protein function. Given the available evidence, this variant is classified as Likely Pathogenic.

Labcorp Genetics (formerly Invitae), Labcorp
Classification: Pathogenic for Cobalamin C disease. Last evaluated: 2025-05-26. Review status: criteria provided, single submitter. Criteria: Invitae Variant Classification Sherloc (09022015). Collection method: clinical testing. Allele origin: germline.
Comment: This sequence change replaces leucine, which is neutral and non-polar, with proline, which is neutral and non-polar, at codon 193 of the MMACHC protein (p.Leu193Pro). This variant is present in population databases (no rsID available, gnomAD 0.003%). This missense change has been observed in individual(s) with clinical features of cobalamin C deficiency (PMID: 16311595; internal data). In at least one individual the data is consistent with being in trans (on the opposite chromosome) from a pathogenic variant. ClinVar contains an entry for this variant (Variation ID: 813352). Invitae Evidence Modeling of protein sequence and biophysical properties (such as structural, functional, and spatial information, amino acid conservation, physicochemical variation, residue mobility, and thermodynamic stability) has been performed for this missense variant. However, the output from this modeling did not meet the statistical confidence thresholds required to predict the impact of this variant on MMACHC protein function. For these reasons, this variant has been classified as Pathogenic.

Myriad Genetics, Inc.
Classification: Likely pathogenic for Cobalamin C disease. Last evaluated: 2025-03-29. Review status: criteria provided, single submitter. Criteria: Myriad Autosomal Dominant, Autosomal Recessive and X-Linked Classification Criteria (2023). Collection method: clinical testing. Allele origin: unknown.
Comment: NM_015506.2(MMACHC):c.578T>C(L193P) is a missense variant classified as likely pathogenic in the context of methylmalonic aciduria and homocystinuria, cblC type. L193P has been observed in cases with relevant disease (PMID: 16311595, 30209273, Brebner_2014_(Thesis)). Relevant functional assessments of this variant are not available in the literature. L193P has been observed in referenced population frequency databases. In summary, NM_015506.2(MMACHC):c.578T>C(L193P) is a missense variant that has been observed more frequently in cases with the relevant disease than in healthy populations. Please note: this variant was assessed in the context of healthy population screening.

GeneDx
Classification: Likely pathogenic. Last evaluated: 2024-01-25. Review status: criteria provided, single submitter. Criteria: GeneDx Variant Classification Process June 2021. Collection method: clinical testing. Allele origin: germline. Affected: yes.
Comment: Not observed at significant frequency in large population cohorts (gnomAD); In silico analysis supports that this missense variant has a deleterious effect on protein structure/function; This variant is associated with the following publications: (PMID: 16311595, 32778825)

Baylor Genetics
Classification: Pathogenic for Cobalamin C disease. Last evaluated: 2023-12-21. Review status: criteria provided, single submitter. Criteria: ACMG Guidelines, 2015. Collection method: clinical testing. Allele origin: unknown.

Genome-Nilou Lab
Classification: Pathogenic for Cobalamin C disease. Last evaluated: 2023-04-11. Review status: criteria provided, single submitter. Criteria: ACMG Guidelines, 2015. Collection method: clinical testing. Allele origin: germline. Affected: no.

Literature cited by the submitters: PubMed 16311595 (cited by Natera, Inc. and Labcorp Genetics (formerly Invitae), Labcorp); PubMed 30209273 (cited by Natera, Inc.).